The following is an entry in ClinVar:

NM_001818.5(AKR1C4):c.388C>A (p.Pro130Thr)

Gene: AKR1C4 (aldo-keto reductase family 1 member C4; plus strand). Cytogenetic location: 10p15.1.
Variant type: single nucleotide variant.
Coding change: c.388C>A on transcript NM_001818.5 (MANE Select); coding-DNA position 388, C replaced by A.
Protein change: p.Pro130Thr; replaces proline 130 with threonine.
Molecular consequence: missense variant.
Genome position (GRCh38, 1-based): chr10:5,205,775, C>A. VCF-style: chr10-5205775-C-A. GRCh37 (hg19) VCF-style: chr10-5247738-C-A.
Other names: short protein forms P130T.
Identifiers: ClinVar variation 2634475 (VCV002634475.1), dbSNP rs373084142, ClinGen allele CA5391429.

ClinVar aggregate classification (germline): Uncertain significance (1 of 4 stars; one submission).

Conditions:
AKR1C4-related disorder. Also called: AKR1C4-related condition.

Allele frequency attached by ClinVar (database versions not stated): TOPMed 0.00002; gnomAD 0.00003; ESP Exome Variant Server 0.00008.
gnomAD v4.1: 18 of 1,613,052 alleles (0.0011%); highest among the groups gnomAD compares: African/African-American, 0.0013%; no homozygotes.

Submission:

PreventionGenetics, part of Exact Sciences
Classification: Uncertain significance for AKR1C4-related condition. Last evaluated: 2023-10-04. Review status: criteria provided, single submitter. Criteria: ACMG Guidelines, 2015. Collection method: clinical testing. Allele origin: germline.
Comment: The AKR1C4 c.388C>A variant is predicted to result in the amino acid substitution p.Pro130Thr. To our knowledge, this variant has not been reported in the literature. This variant is reported in 0.0031% of alleles in individuals of European (Non-Finnish) descent in gnomAD. At this time, the clinical significance of this variant is uncertain due to the absence of conclusive functional and genetic evidence.